The following is an entry in ClinVar:

NC_000015.9:g.(?_38591554)_(38643865_?)dup

Gene: SPRED1 (sprouty related EVH1 domain containing 1; plus strand). Cytogenetic location: 15q14.
Variant type: Duplication.
Identifiers: ClinVar variation 2427396 (VCV002427396.5).

ClinVar aggregate classification (germline): Uncertain significance (1 of 4 stars; one submission).

Conditions:
Legius syndrome. Identifiers: Orphanet 137605, MedGen C1969623, MONDO:0012669, OMIM 611431. Disease mechanism: loss of function.

Submission:

Labcorp Genetics (formerly Invitae), Labcorp
Classification: Uncertain significance for Legius syndrome. Last evaluated: 2022-09-07. Review status: criteria provided, single submitter. Criteria: Invitae Variant Classification Sherloc (09022015). Collection method: clinical testing. Allele origin: germline.
Comment: In summary, the available evidence is currently insufficient to determine the role of this variant in disease. Therefore, it has been classified as a Variant of Uncertain Significance. This variant has not been reported in the literature in individuals affected with SPRED1-related conditions. This variant results in a copy number gain of the genomic region encompassing exon(s) 2-7 of the SPRED1 gene. This region includes the termination codon of the gene. This copy number gain extends beyond the assayed region for this gene and therefore may encompass additional genes. As the precise location of this event is unknown, it may be in tandem or it may be located elsewhere in the genome.